The following is an entry in ClinVar:

ClinVar aggregate classification (germline): Pathogenic/Likely pathogenic. Review status: criteria provided, multiple submitters, no conflicts (2 of 4 stars). 2 submissions from 2 submitters: Pathogenic (1); Likely pathogenic (1). Last evaluated 2024-11-12.

Conditions:
Enhanced S-cone syndrome (ESCS). Identifiers: Orphanet 53540, MedGen C1849394, MONDO:0100288, MONDO:0009989.

Submissions (2):

Natera, Inc.
Classification: Likely pathogenic for Enhanced S cone syndrome. Last evaluated: 2024-11-12. Review status: criteria provided, single submitter. Criteria: Natera Variant Classification Schema (03/2026). Collection method: clinical testing. Allele origin: germline.
Comment: The c.1127delC variant in NR2E3 is a frameshift variant predicted to shift the reading frame beginning at codon 376 and leads to a stop codon 3 codons downstream. This variant is expected to result in nonsense mediated decay, truncation, or a dysfunctional protein product. This variant is rare in the general population with a frequency below the threshold expected for the associated phenotype(s). Given the available evidence, this variant is classified as Likely Pathogenic.

Labcorp Genetics (formerly Invitae), Labcorp
Classification: Pathogenic. Last evaluated: 2023-03-08. Review status: criteria provided, single submitter. Criteria: Invitae Variant Classification Sherloc (09022015). Collection method: clinical testing. Allele origin: germline.
Comment: For these reasons, this variant has been classified as Pathogenic. This variant disrupts a region of the NR2E3 protein in which other variant(s) (p.Met407Lys) have been determined to be pathogenic (PMID: 10655056, 19898638, 24069298, 25703721, 28300834). This suggests that this is a clinically significant region of the protein, and that variants that disrupt it are likely to be disease-causing. This variant has not been reported in the literature in individuals affected with NR2E3-related conditions. This variant is present in population databases (no rsID available, gnomAD 0.01%). This sequence change creates a premature translational stop signal (p.Pro376Argfs*3) in the NR2E3 gene. While this is not anticipated to result in nonsense mediated decay, it is expected to disrupt the last 35 amino acid(s) of the NR2E3 protein.

Literature cited by the submitters: PubMed 10655056 (cited by Labcorp Genetics (formerly Invitae), Labcorp); PubMed 19898638 (cited by Labcorp Genetics (formerly Invitae), Labcorp); PubMed 24069298 (cited by Labcorp Genetics (formerly Invitae), Labcorp); PubMed 25703721 (cited by Labcorp Genetics (formerly Invitae), Labcorp); PubMed 28300834 (cited by Labcorp Genetics (formerly Invitae), Labcorp).

NM_014249.4(NR2E3):c.1127del (p.Pro376fs)

Gene: NR2E3 (nuclear receptor subfamily 2 group E member 3; plus strand). Cytogenetic location: 15q23.
Variant type: Deletion.
Coding change: c.1127del on transcript NM_014249.4 (MANE Select); coding-DNA position 1127, one base deleted (C; older notation c.1127delC).
Protein change: p.Pro376fs; shifts the reading frame from proline 376.
Molecular consequence: frameshift variant.
Genome position (GRCh38, 1-based): chr15:71,817,578, C deleted; the last of 3 consecutive C bases (chr15:71,817,576-71,817,578); deleting any one gives the same sequence. VCF-style (leftmost placement, unchanged base first): chr15-71817575-TC-T. GRCh37 (hg19) VCF-style: chr15-72109916-TC-T.
Other names: c.1127delC (NM_014249.3); short protein forms P376fs.
Identifiers: ClinVar variation 2861010 (VCV002861010.4), dbSNP rs1356715958, ClinGen allele CA618749590.
Genomic context (GRCh38, chr15:71,817,575, plus strand): 5'-TGGTCGTAAAACTGATGGCGTCCTCTCTCCTGTTCAGGTTTGGGAAATTGCTCCTGCTCC[TC>T]CCGTCTTTGAGGTTTATCACTGCGGAACGCATCGAGCTCCTCTTTTTCCGCAAGACCATA-3'